The following is an entry in ClinVar:

ClinVar aggregate classification (germline): Benign (0 of 4 stars; one submission).

Conditions:
MST1R-related disorder. Also called: MST1R-related condition.

Allele frequency attached by ClinVar (database versions not stated): ESP Exome Variant Server 0.00015; TOPMed 0.00046; gnomAD 0.00079; gnomAD exomes 0.00084; ExAC 0.00151; 1000 Genomes Project 30x 0.00250; 1000 Genomes Project 0.00319.

Submission:

PreventionGenetics, part of Exact Sciences
Classification: Benign for MST1R-related condition. Last evaluated: 2019-04-12. Review status: no assertion criteria provided. Collection method: clinical testing. Allele origin: germline.
Comment: This variant is classified as benign based on ACMG/AMP sequence variant interpretation guidelines (Richards et al. 2015 PMID: 25741868, with internal and published modifications).

NM_002447.4(MST1R):c.1827C>T (p.Val609=)

Gene: MST1R (macrophage stimulating 1 receptor; minus strand). Cytogenetic location: 3p21.31.
Variant type: single nucleotide variant.
Coding change: c.1827C>T on transcript NM_002447.4 (MANE Select); coding-DNA position 1827, C replaced by T.
Protein change: p.Val609=; no amino-acid change (valine 609 retained).
Molecular consequence: synonymous variant. On other transcripts: non-coding transcript variant (1).
Genome position (GRCh38, 1-based): chr3:49,898,104, G>A on the plus strand (C>T on the coding strand, the complement: MST1R is on the minus strand). VCF-style: chr3-49898104-G-A. GRCh37 (hg19) VCF-style: chr3-49935537-G-A.
Other names: c.1827C>T, p.Val609= (NM_001244937.3); c.1509C>T, p.Val503= (NM_001318913.2).
Identifiers: ClinVar variation 3060386 (VCV003060386.2), dbSNP rs56273948, ClinGen allele CA2409115.